The following is an entry in ClinVar:

NM_000260.4(MYO7A):c.3504-2A>G

Gene: MYO7A (myosin VIIA; plus strand). Cytogenetic location: 11q13.5.
Variant type: single nucleotide variant.
Coding change: c.3504-2A>G on transcript NM_000260.4 (MANE Select); the canonical splice acceptor site of the intron before coding-DNA position 3504, A replaced by G.
Molecular consequence: splice acceptor variant.
Genome position (GRCh38, 1-based): chr11:77,189,342, A>G. VCF-style: chr11-77189342-A-G. GRCh37 (hg19) VCF-style: chr11-76900387-A-G.
Other names: c.3471-2A>G (NM_001369365.1); c.3504-2A>G (NM_001127180.2).
Identifiers: ClinVar variation 557587 (VCV000557587.3), dbSNP rs1555090168, ClinGen allele CA381946813.
Genomic context (GRCh38, chr11:77,189,342, plus strand): 5'-GGTGGGGACCGGGGCTGTTCCTGTGGGGTGATTCCCCCTCCCTTGCCCTGCTGCCTGCCC[A>G]GGGACGAGATCTACTGCCAGATCAGCAAGCAGCTGACCCACAACCCCTCCAAGAGCAGCT-3'

ClinVar aggregate classification (germline): Pathogenic. Review status: criteria provided, single submitter (1 of 4 stars). 2 submissions from 2 submitters: Pathogenic (1). 1 of the submissions does not count toward it. Last evaluated 2024-04-11.

Conditions:
Autosomal recessive nonsyndromic hearing loss 2. Also called: DEAFNESS, AUTOSOMAL RECESSIVE 2; NEUROSENSORY NONSYNDROMIC RECESSIVE DEAFNESS 2. Identifiers: Orphanet 90636, MedGen C1838701, MONDO:0010807, OMIM 600060.
Usher syndrome type 1 (USH1). Also called: RETINITIS PIGMENTOSA AND CONGENITAL DEAFNESS. Identifiers: Orphanet 231169, Orphanet 886, MedGen C1568247, MONDO:0010168, OMIM 276900.
Usher syndrome type 1B (USH1B). Also called: Usher syndrome type IB. Identifiers: MedGen C1848638, MONDO:0700087.

Submissions (2):

Natera, Inc.
Classification: Pathogenic for Usher syndrome type 1B. Last evaluated: 2024-04-11. Review status: criteria provided, single submitter. Criteria: Natera Variant Classification Schema (03/2026). Collection method: clinical testing. Allele origin: germline.
Comment: The c.3504-2A>G variant in MYO7A is a canonical splice acceptor site variant predicted to affect pre-mRNA splicing, which may result in an abnormal transcript and altered protein product. This variant is expected to result in nonsense mediated decay, truncation, or a dysfunctional protein product. This variant is rare in the general population with a frequency below the threshold expected for the associated phenotype(s). Another variant at this same site results in an alteration predicted to cause a similar molecular effect has been observed in individual(s) with the associated phenotype. Given the available evidence, this variant is classified as Pathogenic.

Counsyl
Classification: Likely pathogenic for Usher syndrome type 1; Autosomal recessive nonsyndromic hearing loss 2. Last evaluated: 2018-04-02. Review status: no assertion criteria provided. Collection method: clinical testing. Allele origin: unknown. Not counted in ClinVar's aggregate classification.